The following is an entry in ClinVar:

ClinVar aggregate classification (germline): Uncertain significance (1 of 4 stars; one submission).

Conditions:
Fanconi anemia (FA). Also called: Fanconi's anemia. Identifiers: Orphanet 84, MedGen C0015625, MeSH D005199, MONDO:0019391.

Allele frequency attached by ClinVar (database versions not stated): ExAC 0.00001; gnomAD exomes 0.00001.
gnomAD v4.1: 9 of 1,614,178 alleles (0.00056%); highest among the groups gnomAD compares: South Asian, 0.0022%; no homozygotes.

Submission:

Labcorp Genetics (formerly Invitae), Labcorp
Classification: Uncertain significance for Fanconi anemia. Last evaluated: 2024-01-29. Review status: criteria provided, single submitter. Criteria: Invitae Variant Classification Sherloc (09022015). Collection method: clinical testing. Allele origin: germline.
Comment: This sequence change replaces arginine, which is basic and polar, with glutamine, which is neutral and polar, at codon 917 of the FANCA protein (p.Arg917Gln). This variant is present in population databases (rs747220449, gnomAD 0.003%). This variant has not been reported in the literature in individuals affected with FANCA-related conditions. ClinVar contains an entry for this variant (Variation ID: 1438129). Advanced modeling of protein sequence and biophysical properties (such as structural, functional, and spatial information, amino acid conservation, physicochemical variation, residue mobility, and thermodynamic stability) performed at Invitae indicates that this missense variant is not expected to disrupt FANCA protein function with a negative predictive value of 80%. In summary, the available evidence is currently insufficient to determine the role of this variant in disease. Therefore, it has been classified as a Variant of Uncertain Significance.

NM_000135.4(FANCA):c.2750G>A (p.Arg917Gln)

Gene: FANCA (FA complementation group A; minus strand). Cytogenetic location: 16q24.3.
Variant type: single nucleotide variant.
Coding change: c.2750G>A on transcript NM_000135.4 (MANE Select); coding-DNA position 2750, G replaced by A.
Protein change: p.Arg917Gln; replaces arginine 917 with glutamine.
Molecular consequence: missense variant.
Genome position (GRCh38, 1-based): chr16:89,764,918, C>T on the plus strand (G>A on the coding strand, the complement: FANCA is on the minus strand). VCF-style: chr16-89764918-C-T. GRCh37 (hg19) VCF-style: chr16-89831326-C-T.
Other names: c.2750G>A, p.Arg917Gln (NM_001286167.3); short protein forms R917Q.
Identifiers: ClinVar variation 1438129 (VCV001438129.8), dbSNP rs747220449, ClinGen allele CA8251577.